The following is an entry in ClinVar:

ClinVar aggregate classification (germline): Uncertain significance (1 of 4 stars; one submission).

Conditions:
MHC class I deficiency. Identifiers: Orphanet 34592, MedGen C6024714, MONDO:0011476.

Allele frequency attached by ClinVar (database versions not stated): TOPMed below 0.00001.

Submission:

Labcorp Genetics (formerly Invitae), Labcorp
Classification: Uncertain significance for MHC class I deficiency 1. Last evaluated: 2023-08-01. Review status: criteria provided, single submitter. Criteria: Invitae Variant Classification Sherloc (09022015). Collection method: clinical testing. Allele origin: germline.
Comment: In summary, the available evidence is currently insufficient to determine the role of this variant in disease. Therefore, it has been classified as a Variant of Uncertain Significance. This sequence change replaces glutamic acid, which is acidic and polar, with lysine, which is basic and polar, at codon 53 of the TAPBP protein (p.Glu53Lys). This variant is present in population databases (no rsID available, gnomAD 0.003%). This variant has not been reported in the literature in individuals affected with TAPBP-related conditions. An algorithm developed to predict the effect of missense changes on protein structure and function (PolyPhen-2) suggests that this variant is likely to be tolerated.

NM_003190.5(TAPBP):c.157G>A (p.Glu53Lys)

Gene: TAPBP (TAP binding protein; minus strand). Cytogenetic location: 6p21.32.
Variant type: single nucleotide variant.
Coding change: c.157G>A on transcript NM_003190.5 (MANE Select); coding-DNA position 157, G replaced by A.
Protein change: p.Glu53Lys; replaces glutamic acid 53 with lysine.
Molecular consequence: missense variant.
Genome position (GRCh38, 1-based): chr6:33,313,745, C>T on the plus strand (G>A on the coding strand, the complement: TAPBP is on the minus strand). VCF-style: chr6-33313745-C-T. GRCh37 (hg19) VCF-style: chr6-33281522-C-T.
Other names: c.157G>A, p.Glu53Lys (NM_001410875.1, NM_172208.3, NM_172209.3); short protein forms E53K.
Identifiers: ClinVar variation 2745867 (VCV002745867.3), dbSNP rs1277429928, ClinGen allele CA363622377.
Genomic context (GRCh38, chr6:33,313,745, plus strand): 5'-GAGACTCACCGTGTACACTGAGATAGAGCTCAGGGTCGAGGTCCGGCCGGGGCGGCGGTT[C>T]CCCCGGTCCCTGGCGCAACAGCAGTGCACCGGGTCTCTTGGCCAGGCCCTTTCCGCTCGC-3'
Protein context (NP_003181.3, residues 43-63): GALLLRQGPG[Glu53Lys]PPPRPDLDPE